The following is an entry in ClinVar:

NM_198578.4(LRRK2):c.3900T>A (p.Asp1300Glu)

Gene: LRRK2 (leucine rich repeat kinase 2; plus strand). Cytogenetic location: 12q12.
Variant type: single nucleotide variant.
Coding change: c.3900T>A on transcript NM_198578.4 (MANE Select); coding-DNA position 3900, T replaced by A.
Protein change: p.Asp1300Glu; replaces aspartic acid 1300 with glutamic acid.
Molecular consequence: missense variant.
Genome position (GRCh38, 1-based): chr12:40,305,907, T>A. VCF-style: chr12-40305907-T-A. GRCh37 (hg19) VCF-style: chr12-40699709-T-A.
Other names: short protein forms D1300E.
Identifiers: ClinVar variation 1736022 (VCV001736022.2), dbSNP rs765937594, ClinGen allele CA6514037.

ClinVar aggregate classification (germline): Uncertain significance (1 of 4 stars; one submission).

Conditions:
Inborn genetic diseases. Identifiers: MedGen C0950123, MeSH D030342.

Allele frequency attached by ClinVar (database versions not stated): gnomAD exomes below 0.00001; ExAC 0.00001.
gnomAD v4.1: 1 of 1,613,238 alleles (0.000062%); highest among the groups gnomAD compares: Non-Finnish European, 0.000085%; no homozygotes.

Submission:

Ambry Genetics
Classification: Uncertain significance for Inborn genetic diseases. Last evaluated: 2024-02-22. Review status: criteria provided, single submitter. Criteria: Ambry Variant Classification Scheme 2023. Collection method: clinical testing. Allele origin: germline.
Comment: The p.D1300E variant (also known as c.3900T>A), located in coding exon 28 of the LRRK2 gene, results from a T to A substitution at nucleotide position 3900. The aspartic acid at codon 1300 is replaced by glutamic acid, an amino acid with highly similar properties. This amino acid position is conserved. In addition, this alteration is predicted to be tolerated by in silico analysis. Since supporting evidence is limited at this time, the clinical significance of this alteration remains unclear.